The following is an entry in ClinVar:

NM_024753.5(TTC21B):c.730C>T (p.Gln244Ter)

Gene: TTC21B (tetratricopeptide repeat domain 21B; minus strand). Cytogenetic location: 2q24.3.
Variant type: single nucleotide variant.
Coding change: c.730C>T on transcript NM_024753.5 (MANE Select); coding-DNA position 730, C replaced by T.
Protein change: p.Gln244Ter; replaces glutamine 244 with a stop codon.
Molecular consequence: nonsense.
Genome position (GRCh38, 1-based): chr2:165,933,038, G>A on the plus strand (C>T on the coding strand, the complement: TTC21B is on the minus strand). VCF-style: chr2-165933038-G-A. GRCh37 (hg19) VCF-style: chr2-166789548-G-A.
Other names: short protein forms Q244*.
Identifiers: ClinVar variation 3754781 (VCV003754781.2).

ClinVar aggregate classification (germline): Pathogenic (1 of 4 stars; one submission).

Conditions:
Nephronophthisis. Also called: Juvenile Nephronophthisis. Identifiers: Orphanet 655, MedGen C0687120, MONDO:0019005, HP:0000090.
Jeune thoracic dystrophy. Also called: Jeune syndrome; Infantile thoracic dystrophy; Thoracic pelvic phalangeal dystrophy; Jeune's syndrome; Chondroectodermal dysplasia-like syndrome; Short-rib thoracic dysplasia. Identifiers: Orphanet 474, MedGen C0265275, MONDO:0018770.

Submission:

Labcorp Genetics (formerly Invitae), Labcorp
Classification: Pathogenic for Jeune thoracic dystrophy; Nephronophthisis. Last evaluated: 2024-02-24. Review status: criteria provided, single submitter. Criteria: Invitae Variant Classification Sherloc (09022015). Collection method: clinical testing. Allele origin: germline.
Comment: This sequence change creates a premature translational stop signal (p.Gln244*) in the TTC21B gene. It is expected to result in an absent or disrupted protein product. Loss-of-function variants in TTC21B are known to be pathogenic (PMID: 18327258, 21068128, 21258341, 23559409, 24876116, 25492405, 27491411, 29068549). This variant is not present in population databases (gnomAD no frequency). This variant has not been reported in the literature in individuals affected with TTC21B-related conditions. For these reasons, this variant has been classified as Pathogenic.

Literature cited by the submitters: PubMed 18327258; PubMed 21068128; PubMed 21258341; PubMed 23559409; PubMed 24876116; PubMed 25492405; PubMed 27491411; PubMed 29068549.